The following is an entry in ClinVar:

NM_001128159.3(VPS53):c.760C>T (p.Gln254Ter)

Gene: VPS53 (VPS53 subunit of GARP complex; minus strand). Cytogenetic location: 17p13.3.
Variant type: single nucleotide variant.
Coding change: c.760C>T on transcript NM_001128159.3 (MANE Select); coding-DNA position 760, C replaced by T.
Protein change: p.Gln254Ter; replaces glutamine 254 with a stop codon.
Molecular consequence: nonsense.
Genome position (GRCh38, 1-based): chr17:628,159, G>A on the plus strand (C>T on the coding strand, the complement: VPS53 is on the minus strand). VCF-style: chr17-628159-G-A. GRCh37 (hg19) VCF-style: chr17-531399-G-A.
Other names: c.760C>T, p.Gln254Ter (NM_001366253.2); c.166C>T, p.Gln56Ter (NM_001366254.2); c.673C>T, p.Gln225Ter (NM_018289.4); short protein forms Q225*, Q254*, Q56*.
Identifiers: ClinVar variation 5013023 (VCV005013023.1).

ClinVar aggregate classification (germline): Pathogenic (1 of 4 stars; one submission).

Conditions:
Pontocerebellar hypoplasia type 2E. Identifiers: Orphanet 247198, MedGen C4014488, MONDO:0014370, OMIM 615851.

Submission:

Myriad Genetics, Inc.
Classification: Pathogenic for Pontocerebellar hypoplasia type 2E. Last evaluated: 2024-05-09. Review status: criteria provided, single submitter. Criteria: Myriad Autosomal Dominant, Autosomal Recessive and X-Linked Classification Criteria (2023). Collection method: clinical testing. Allele origin: unknown.
Comment: NM_001128159.2(VPS53):c.760C>T(Q254*) is expected to be pathogenic in the context of pontocerebellar hypoplasia, VPS53-related. This variant is predicted to lead to an abnormal or absent protein product due to the creation of a premature termination codon in VPS53, a gene where loss-of-function variants are known to be pathogenic. Please note: this variant was assessed in the context of healthy population screening.